The following is an entry in ClinVar:

ClinVar aggregate classification (germline): Uncertain significance (1 of 4 stars; one submission).

Allele frequency attached by ClinVar (database versions not stated): gnomAD exomes below 0.00001; TOPMed below 0.00001; gnomAD 0.00001; 1000 Genomes Project 30x 0.00016; 1000 Genomes Project 0.00020.
gnomAD v4.1: 3 of 1,610,290 alleles (0.00019%); highest among the groups gnomAD compares: South Asian, 0.0011%; no homozygotes.

Submission:

GeneDx
Classification: Uncertain significance. Last evaluated: 2024-07-04. Review status: criteria provided, single submitter. Criteria: GeneDx Variant Classification Process June 2021. Collection method: clinical testing. Allele origin: germline. Affected: yes.
Comment: Has not been previously published as pathogenic or benign to our knowledge; Not observed at significant frequency in large population cohorts (gnomAD); In silico analysis supports that this missense variant has a deleterious effect on protein structure/function

NM_017617.5(NOTCH1):c.7574C>T (p.Pro2525Leu)

Gene: NOTCH1 (notch receptor 1; minus strand). Cytogenetic location: 9q34.3.
Variant type: single nucleotide variant.
Coding change: c.7574C>T on transcript NM_017617.5 (MANE Select); coding-DNA position 7574, C replaced by T.
Protein change: p.Pro2525Leu; replaces proline 2525 with leucine.
Molecular consequence: missense variant.
Genome position (GRCh38, 1-based): chr9:136,496,165, G>A on the plus strand (C>T on the coding strand, the complement: NOTCH1 is on the minus strand). VCF-style: chr9-136496165-G-A. GRCh37 (hg19) VCF-style: chr9-139390617-G-A.
Other names: short protein forms P2525L.
Identifiers: ClinVar variation 3252779 (VCV003252779.1), dbSNP rs567323027.